The following is an entry in ClinVar:

ClinVar aggregate classification (germline): Uncertain significance (1 of 4 stars; one submission).

Conditions:
Spastic paraplegia. Identifiers: MedGen C0037772, HP:0001258.

Submission:

Labcorp Genetics (formerly Invitae), Labcorp
Classification: Uncertain significance for Spastic paraplegia. Last evaluated: 2023-01-24. Review status: criteria provided, single submitter. Criteria: Invitae Variant Classification Sherloc (09022015). Collection method: clinical testing. Allele origin: germline.
Comment: This variant is not present in population databases (gnomAD no frequency). This sequence change replaces asparagine, which is neutral and polar, with threonine, which is neutral and polar, at codon 3202 of the SACS protein (p.Asn3202Thr). This variant has not been reported in the literature in individuals affected with SACS-related conditions. Advanced modeling of protein sequence and biophysical properties (such as structural, functional, and spatial information, amino acid conservation, physicochemical variation, residue mobility, and thermodynamic stability) performed at Invitae indicates that this missense variant is not expected to disrupt SACS protein function. In summary, the available evidence is currently insufficient to determine the role of this variant in disease. Therefore, it has been classified as a Variant of Uncertain Significance.

NM_014363.6(SACS):c.9605A>C (p.Asn3202Thr)

Gene: SACS (sacsin molecular chaperone; minus strand). Cytogenetic location: 13q12.12.
Variant type: single nucleotide variant.
Coding change: c.9605A>C on transcript NM_014363.6 (MANE Select); coding-DNA position 9605, A replaced by C.
Protein change: p.Asn3202Thr; replaces asparagine 3202 with threonine.
Molecular consequence: missense variant.
Genome position (GRCh38, 1-based): chr13:23,334,271, T>G on the plus strand (A>C on the coding strand, the complement: SACS is on the minus strand). VCF-style: chr13-23334271-T-G. GRCh37 (hg19) VCF-style: chr13-23908410-T-G.
Other names: c.9164A>C, p.Asn3055Thr (NM_001278055.2); short protein forms N3055T, N3202T.
Identifiers: ClinVar variation 2079254 (VCV002079254.4), dbSNP rs1409421323, ClinGen allele CA387514063.